The following is an entry in ClinVar:

ClinVar aggregate classification (germline): Uncertain significance (1 of 4 stars; one submission).

Submission:

Labcorp Genetics (formerly Invitae), Labcorp
Classification: Uncertain significance. Last evaluated: 2022-02-09. Review status: criteria provided, single submitter. Criteria: Invitae Variant Classification Sherloc (09022015). Collection method: clinical testing. Allele origin: germline.
Comment: This sequence change replaces threonine, which is neutral and polar, with alanine, which is neutral and non-polar, at codon 1595 of the ABCA4 protein (p.Thr1595Ala). This variant is not present in population databases (gnomAD no frequency). This variant has not been reported in the literature in individuals affected with ABCA4-related conditions. ClinVar contains an entry for this variant (Variation ID: 941050). Advanced modeling of protein sequence and biophysical properties (such as structural, functional, and spatial information, amino acid conservation, physicochemical variation, residue mobility, and thermodynamic stability) performed at Invitae indicates that this missense variant is not expected to disrupt ABCA4 protein function. In summary, the available evidence is currently insufficient to determine the role of this variant in disease. Therefore, it has been classified as a Variant of Uncertain Significance.

NM_000350.3(ABCA4):c.4783A>G (p.Thr1595Ala)

Genes: ABCA4 (ATP binding cassette subfamily A member 4; minus strand), LOC126805793 (CDK7 strongly-dependent group 2 enhancer GRCh37_chr1:94486302-94487501; plus strand). Cytogenetic location: 1p22.1.
Variant type: single nucleotide variant.
Coding change: c.4783A>G on transcript NM_000350.3 (MANE Select); coding-DNA position 4783, A replaced by G.
Protein change: p.Thr1595Ala; replaces threonine 1595 with alanine.
Molecular consequence: missense variant.
Genome position (GRCh38, 1-based): chr1:94,021,705, T>C on the plus strand (A>G on the coding strand, the complement: ABCA4 is on the minus strand). VCF-style: chr1-94021705-T-C. GRCh37 (hg19) VCF-style: chr1-94487261-T-C.
Other names: c.4561A>G, p.Thr1521Ala (NM_001425324.1); short protein forms T1595A, T1521A.
Identifiers: ClinVar variation 941050 (VCV000941050.7), dbSNP rs1659903133, ClinGen allele CA341283695.